The following is an entry in ClinVar:

NM_006514.4(SCN10A):c.4602C>G (p.Tyr1534Ter)

Gene: SCN10A (sodium voltage-gated channel alpha subunit 10; minus strand). Cytogenetic location: 3p22.2.
Variant type: single nucleotide variant.
Coding change: c.4602C>G on transcript NM_006514.4 (MANE Select); coding-DNA position 4602, C replaced by G.
Protein change: p.Tyr1534Ter; replaces tyrosine 1534 with a stop codon.
Molecular consequence: nonsense.
Genome position (GRCh38, 1-based): chr3:38,701,894, G>C on the plus strand (C>G on the coding strand, the complement: SCN10A is on the minus strand). VCF-style: chr3-38701894-G-C. GRCh37 (hg19) VCF-style: chr3-38743385-G-C.
Other names: c.4599C>G, p.Tyr1533Ter (NM_001293306.2); c.4308C>G, p.Tyr1436Ter (NM_001293307.2); short protein forms Y1436*, Y1534*, Y1533*.
Identifiers: ClinVar variation 3316503 (VCV003316503.1).

ClinVar aggregate classification (germline): Uncertain significance (1 of 4 stars; one submission).

Conditions:
Cardiovascular phenotype. Identifiers: MedGen CN230736.

Submission:

Ambry Genetics
Classification: Uncertain significance for Cardiovascular phenotype. Last evaluated: 2024-04-08. Review status: criteria provided, single submitter. Criteria: Ambry Variant Classification Scheme 2023. Collection method: clinical testing. Allele origin: germline.
Comment: The p.Y1534* variant (also known as c.4602C>G), located in coding exon 26 of the SCN10A gene, results from a C to G substitution at nucleotide position 4602. This changes the amino acid from a tyrosine to a stop codon within coding exon 26. This alteration is expected to result in protein truncation or nonsense-mediated mRNA decay. However, loss of function of SCN10A has not been established as a mechanism of disease. The evidence for this gene-disease relationship is limited; therefore, the clinical significance of this alteration is unclear.